The following is an entry in ClinVar:

NM_003764.4(STX11):c.292G>C (p.Glu98Gln)

Gene: STX11 (syntaxin 11; plus strand). Cytogenetic location: 6q24.2.
Variant type: single nucleotide variant.
Coding change: c.292G>C on transcript NM_003764.4 (MANE Select); coding-DNA position 292, G replaced by C.
Protein change: p.Glu98Gln; replaces glutamic acid 98 with glutamine.
Molecular consequence: missense variant.
Genome position (GRCh38, 1-based): chr6:144,186,919, G>C. VCF-style: chr6-144186919-G-C. GRCh37 (hg19) VCF-style: chr6-144508056-G-C.
Other names: p.Glu98Gln; short protein forms E98Q.
Identifiers: ClinVar variation 4541230 (VCV004541230.1).

ClinVar aggregate classification (germline): Uncertain significance (1 of 4 stars; one submission).

gnomAD v4.1: 2 of 1,610,654 alleles (0.00012%); highest among the groups gnomAD compares: Non-Finnish European, 0.000085%; no homozygotes.

Submission:

Mayo Clinic Laboratories, Mayo Clinic
Classification: Uncertain significance. Last evaluated: 2025-07-24. Review status: criteria provided, single submitter. Criteria: ACMG Guidelines, 2015. Collection method: clinical testing. Allele origin: germline. Observed: 1 variant allele.
Comment: BP4_moderate, PM2_supporting